The following is an entry in ClinVar:

NM_001104631.2(PDE4D):c.2175G>T (p.Glu725Asp)

Gene: PDE4D (phosphodiesterase 4D; minus strand). Cytogenetic location: 5q11.2.
Variant type: single nucleotide variant.
Coding change: c.2175G>T on transcript NM_001104631.2 (MANE Select); coding-DNA position 2175, G replaced by T.
Protein change: p.Glu725Asp; replaces glutamic acid 725 with aspartic acid.
Molecular consequence: missense variant.
Genome position (GRCh38, 1-based): chr5:58,974,919, C>A on the plus strand (G>T on the coding strand, the complement: PDE4D is on the minus strand). VCF-style: chr5-58974919-C-A. GRCh37 (hg19) VCF-style: chr5-58270746-C-A.
Other names: c.1992G>T, p.Glu664Asp (NM_001165899.2, NM_001364599.1); c.1983G>T, p.Glu661Asp (NM_001197218.2); c.1809G>T, p.Glu603Asp (NM_001197219.2); c.1785G>T, p.Glu595Asp (NM_001197220.2); c.1269G>T, p.Glu423Asp (NM_001197221.2, NM_001364603.1); c.1503G>T, p.Glu501Asp (NM_001197222.2); c.1302G>T, p.Glu434Asp (NM_001197223.2); c.1962G>T, p.Glu654Asp (NM_001349241.2); and 3 more; short protein forms E434D, E664D, E469D, E501D, E615D, E654D, E661D, E423D.
Identifiers: ClinVar variation 4995636 (VCV004995636.1).
Genomic context (GRCh38, chr5:58,974,919, plus strand): 5'-CTCACCATCTTCCTCTAAAGTTAGTTCAAACTGGAATTTCTCAGTTTGACCCTGCCGGCC[C>A]TCCTCTGGGTCATCAGGTGCAGGAGAGGGGCTCTGAGGGATTGTGCTCTGGTACCATTCA-3'
Protein context (NP_001098101.1, residues 715-735): SPSPAPDDPE[Glu725Asp]GRQGQTEKFQ

ClinVar aggregate classification (germline): Uncertain significance (1 of 4 stars; one submission).

Conditions:
PDE4D-related disorder. Also called: PDE4D-related condition.

Submission:

PreventionGenetics, part of Exact Sciences
Classification: Uncertain significance for PDE4D-related condition. Last evaluated: 2026-01-23. Review status: criteria provided, single submitter. Criteria: ACMG Guidelines, 2015. Collection method: clinical testing. Allele origin: germline.
Comment: The PDE4D c.2175G>T variant is predicted to result in the amino acid substitution p.Glu725Asp. To our knowledge, this variant has not been reported in the literature or in a large population database (gnomAD), indicating this variant is rare. At this time, the clinical significance of this variant is uncertain due to the absence of conclusive functional and genetic evidence.